The following is an entry in ClinVar:

NM_001329943.3(KIAA0586):c.585+2T>A

Gene: KIAA0586 (KIAA0586; plus strand). Cytogenetic location: 14q23.1.
Variant type: single nucleotide variant.
Coding change: c.585+2T>A on transcript NM_001329943.3 (MANE Select); the canonical splice donor site of the intron after coding-DNA position 585, T replaced by A.
Molecular consequence: splice donor variant.
Genome position (GRCh38, 1-based): chr14:58,442,882, T>A. VCF-style: chr14-58442882-T-A. GRCh37 (hg19) VCF-style: chr14-58909600-T-A.
Other names: c.744+2T>A (NM_001244189.2); c.540+2T>A (NM_001244190.2); c.453+2T>A (NM_001244192.2); c.330+2T>A (NM_001244191.2, NM_001364701.2, NM_001329945.2 and 1 more transcripts); c.585+2T>A (NM_001329944.2, NM_001329946.2, NM_001329947.2 and 1 more transcripts); c.165+2T>A (NM_001244193.2).
Identifiers: ClinVar variation 4883531 (VCV004883531.2).

ClinVar aggregate classification (germline): Likely pathogenic (1 of 4 stars; one submission).

Submission:

Dasa
Classification: Likely pathogenic. Last evaluated: 2025-09-20. Review status: criteria provided, single submitter. Criteria: DASA Assertion Criteria. Collection method: clinical testing. Allele origin: germline.
Comment: NM_001329943.3(KIAA0586):c.585+2T>A affects a canonical splice site and is predicted to disrupt normal RNA splicing. Loss of function is an established disease mechanism for KIAA0586-associated disorders. Also, this variant is rare in population databases. Based on the currently available evidence, this variant is classified as likely pathogenic.